The following is an entry in ClinVar:

ClinVar aggregate classification (germline): Uncertain significance (1 of 4 stars; one submission).

gnomAD v4.1: 79 of 1,613,604 alleles (0.0049%); highest among the groups gnomAD compares: Non-Finnish European, 0.0065%; no homozygotes.

Submission:

Labcorp Genetics (formerly Invitae), Labcorp
Classification: Uncertain significance. Last evaluated: 2025-08-21. Review status: criteria provided, single submitter. Criteria: Invitae Variant Classification Sherloc (09022015). Collection method: clinical testing. Allele origin: germline.
Comment: This sequence change replaces proline, which is neutral and non-polar, with histidine, which is basic and polar, at codon 2847 of the COL7A1 protein (p.Pro2847His). This variant is present in population databases (rs747790197, gnomAD 0.004%). This variant has not been reported in the literature in individuals affected with COL7A1-related conditions. Invitae Evidence Modeling of protein sequence and biophysical properties (such as structural, functional, and spatial information, amino acid conservation, physicochemical variation, residue mobility, and thermodynamic stability) indicates that this missense variant is not expected to disrupt COL7A1 protein function with a negative predictive value of 95%. In summary, the available evidence is currently insufficient to determine the role of this variant in disease. Therefore, it has been classified as a Variant of Uncertain Significance.

NM_000094.4(COL7A1):c.8540C>A (p.Pro2847His)

Gene: COL7A1 (collagen type VII alpha 1 chain; minus strand). Cytogenetic location: 3p21.31.
Variant type: single nucleotide variant.
Coding change: c.8540C>A on transcript NM_000094.4 (MANE Select); coding-DNA position 8540, C replaced by A.
Protein change: p.Pro2847His; replaces proline 2847 with histidine.
Molecular consequence: missense variant.
Genome position (GRCh38, 1-based): chr3:48,565,189, G>T on the plus strand (C>A on the coding strand, the complement: COL7A1 is on the minus strand). VCF-style: chr3-48565189-G-T. GRCh37 (hg19) VCF-style: chr3-48602622-G-T.
Other names: short protein forms P2847H.
Identifiers: ClinVar variation 4712177 (VCV004712177.1).
Genomic context (GRCh38, chr3:48,565,189, plus strand): 5'-TCAGGGTCCTGGTACTCCTCCACAGAATACTCGGAGTATTCAGAGTACTCATCATCCTCA[G>T]GGGGTACCCGCTCTGCAGGTAGGGCAGGGTGTGCTGGGAGCAGTGGCTGCTGGCCCCGGG-3'
Protein context (NP_000085.1, residues 2837-2857): SHAEEEERVP[Pro2847His]EDDEYSEYSE